The following is an entry in ClinVar:

NM_000374.5(UROD):c.474+8G>A

Gene: UROD (uroporphyrinogen decarboxylase; plus strand). Cytogenetic location: 1p34.1.
Variant type: single nucleotide variant.
Coding change: c.474+8G>A on transcript NM_000374.5 (MANE Select); 8 bases into the intron after coding-DNA position 474, G replaced by A.
Molecular consequence: intron variant.
Genome position (GRCh38, 1-based): chr1:45,013,799, G>A. VCF-style: chr1-45013799-G-A. GRCh37 (hg19) VCF-style: chr1-45479471-G-A.
Identifiers: ClinVar variation 1999835 (VCV001999835.4), dbSNP rs1163129371, ClinGen allele CA736140879.

ClinVar aggregate classification (germline): Uncertain significance (1 of 4 stars; one submission).

Allele frequency attached by ClinVar (database versions not stated): TOPMed below 0.00001; gnomAD 0.00001.

Submission:

Labcorp Genetics (formerly Invitae), Labcorp
Classification: Uncertain significance. Last evaluated: 2022-05-28. Review status: criteria provided, single submitter. Criteria: Invitae Variant Classification Sherloc (09022015). Collection method: clinical testing. Allele origin: germline.
Comment: In summary, the available evidence is currently insufficient to determine the role of this variant in disease. Therefore, it has been classified as a Variant of Uncertain Significance. Algorithms developed to predict the effect of sequence changes on RNA splicing suggest that this variant may disrupt the consensus splice site. This variant has not been reported in the literature in individuals affected with UROD-related conditions. This variant is not present in population databases (gnomAD no frequency). This sequence change falls in intron 5 of the UROD gene. It does not directly change the encoded amino acid sequence of the UROD protein.